The following is an entry in ClinVar:

NM_001355436.2(SPTB):c.1956G>A (p.Trp652Ter)

Gene: SPTB (spectrin beta, erythrocytic; minus strand). Cytogenetic location: 14q23.3.
Variant type: single nucleotide variant.
Coding change: c.1956G>A on transcript NM_001355436.2 (MANE Select); coding-DNA position 1956, G replaced by A.
Protein change: p.Trp652Ter; replaces tryptophan 652 with a stop codon.
Molecular consequence: nonsense.
Genome position (GRCh38, 1-based): chr14:64,793,707, C>T on the plus strand (G>A on the coding strand, the complement: SPTB is on the minus strand). VCF-style: chr14-64793707-C-T. GRCh37 (hg19) VCF-style: chr14-65260425-C-T.
Other names: c.1956G>A, p.Trp652Ter (NM_001024858.4, NM_001355437.2); c.1956G>A (NM_001024858.2); short protein forms W652*.
Identifiers: ClinVar variation 4081060 (VCV004081060.2).
Genomic context (GRCh38, chr14:64,793,707, plus strand): 5'-CACACTGGTCAGGTCTTTGCCATAGTCCAGGGAAGAATAGATCTGCTCCTTCTCCTTGAT[C>T]CAGCTCTCAGCCTCATCCATCTCCCAGAAGAACTTCCAGAGTCGTTTGGACTGCTCCAGT-3'

ClinVar aggregate classification (germline): Pathogenic/Likely pathogenic. Review status: criteria provided, multiple submitters, no conflicts (2 of 4 stars). 2 submissions from 2 submitters: Pathogenic (1); Likely pathogenic (1). Last evaluated 2025-04-28.

Conditions:
SPTB-related disorder. Also called: SPTB-Related Disorders; SPTB-related condition.

Submissions (2):

PreventionGenetics, part of Exact Sciences
Classification: Likely pathogenic for SPTB-related condition. Last evaluated: 2025-04-28. Review status: criteria provided, single submitter. Criteria: ACMG Guidelines, 2015. Collection method: clinical testing. Allele origin: germline.
Comment: The SPTB c.1956G>A variant is predicted to result in premature protein termination (p.Trp652*). This variant was reported in the heterozygous state in an individual with spherocytosis (Shin et al. 2018. PubMed ID: 29505016). An alternate nucleotide substitution resulting in the same nonsense variant (c.1955G>A, p.Trp652*) has been reported as de novo in an individual with spherocytosis (Wang et al. 2018. PubMed ID: 29572776). This variant has not been reported in a large population database (gnomAD), indicating this variant is rare. Nonsense variants in SPTB are expected to be pathogenic. This variant is interpreted as likely pathogenic.

Revvity Omics, Revvity
Classification: Pathogenic. Last evaluated: 2024-03-18. Review status: criteria provided, single submitter. Criteria: ACMG Guidelines, 2015. Collection method: clinical testing. Allele origin: germline.